The following is an entry in ClinVar:

ClinVar aggregate classification (germline): Pathogenic (1 of 4 stars; one submission).

Conditions:
Neurofibromatosis, type 1 (NF1). Also called: NEUROFIBROMATOSIS, TYPE I, SOMATIC; VON RECKLINGHAUSEN DISEASE; Peripheral type neurofibromatosis; Neurofibromatosis, type I. Identifiers: Orphanet 636, MedGen C0027831, MONDO:0018975, OMIM 162200. Disease mechanism: loss of function.

Submission:

Labcorp Genetics (formerly Invitae), Labcorp
Classification: Pathogenic for Neurofibromatosis, type 1. Last evaluated: 2025-09-27. Review status: criteria provided, single submitter. Criteria: Invitae Variant Classification Sherloc (09022015). Collection method: clinical testing. Allele origin: germline.
Comment: This sequence change creates a premature translational stop signal (p.Leu1675Cysfs*2) in the NF1 gene. It is expected to result in an absent or disrupted protein product. Loss-of-function variants in NF1 are known to be pathogenic (PMID: 10712197, 23913538). This variant is not present in population databases (gnomAD no frequency). This variant has not been reported in the literature in individuals affected with NF1-related conditions. Algorithms developed to predict the effect of sequence changes on RNA splicing suggest that this variant may create or strengthen a splice site. For these reasons, this variant has been classified as Pathogenic.

Literature cited by the submitters: PubMed 10712197; PubMed 23913538.

NM_001042492.3(NF1):c.5085del (p.Leu1696fs)

Gene: NF1 (neurofibromin 1; plus strand). Cytogenetic location: 17q11.2.
Variant type: Deletion.
Coding change: c.5085del on transcript NM_001042492.3 (MANE Select); coding-DNA position 5085, one base deleted (G; older notation c.5085delG).
Protein change: p.Leu1696fs; shifts the reading frame from leucine 1696.
Molecular consequence: frameshift variant.
Genome position (GRCh38, 1-based): chr17:31,326,069, G deleted; the last of 2 consecutive G bases (chr17:31,326,068-31,326,069); deleting either gives the same sequence. VCF-style (leftmost placement, unchanged base first): chr17-31326067-CG-C. GRCh37 (hg19) VCF-style: chr17-29653085-CG-C.
Other names: c.5022del, p.Leu1675fs (NM_000267.4); short protein forms L1696fs, L1675fs.
Identifiers: ClinVar variation 4727896 (VCV004727896.1).